The following is an entry in ClinVar:

NM_130466.4(UBE3B):c.2710C>T (p.Arg904Cys)

Gene: UBE3B (ubiquitin protein ligase E3B; plus strand). Cytogenetic location: 12q24.11.
Variant type: single nucleotide variant.
Coding change: c.2710C>T on transcript NM_130466.4 (MANE Select); coding-DNA position 2710, C replaced by T.
Protein change: p.Arg904Cys; replaces arginine 904 with cysteine.
Molecular consequence: missense variant.
Genome position (GRCh38, 1-based): chr12:109,529,972, C>T. VCF-style: chr12-109529972-C-T. GRCh37 (hg19) VCF-style: chr12-109967777-C-T.
Other names: c.2710C>T, p.Arg904Cys (NM_183415.3); short protein forms R904C.
Identifiers: ClinVar variation 2053717 (VCV002053717.4), dbSNP rs200182141, ClinGen allele CA6778296.

ClinVar aggregate classification (germline): Uncertain significance (1 of 4 stars; one submission).

Allele frequency attached by ClinVar (database versions not stated): TOPMed 0.00001; gnomAD 0.00002; gnomAD exomes 0.00001; ExAC 0.00006; 1000 Genomes Project 30x 0.00031.
gnomAD v4.1: 25 of 1,614,136 alleles (0.0015%); highest among the groups gnomAD compares: East Asian, 0.036%; no homozygotes.

Submission:

Labcorp Genetics (formerly Invitae), Labcorp
Classification: Uncertain significance. Last evaluated: 2024-06-10. Review status: criteria provided, single submitter. Criteria: Invitae Variant Classification Sherloc (09022015). Collection method: clinical testing. Allele origin: germline.
Comment: This sequence change replaces arginine, which is basic and polar, with cysteine, which is neutral and slightly polar, at codon 904 of the UBE3B protein (p.Arg904Cys). This variant is present in population databases (rs200182141, gnomAD 0.08%). This variant has not been reported in the literature in individuals affected with UBE3B-related conditions. ClinVar contains an entry for this variant (Variation ID: 2053717). Advanced modeling of protein sequence and biophysical properties (such as structural, functional, and spatial information, amino acid conservation, physicochemical variation, residue mobility, and thermodynamic stability) performed at Invitae indicates that this missense variant is not expected to disrupt UBE3B protein function with a negative predictive value of 80%. In summary, the available evidence is currently insufficient to determine the role of this variant in disease. Therefore, it has been classified as a Variant of Uncertain Significance.